The following is an entry in ClinVar:

NM_001458.5(FLNC):c.5984G>A (p.Arg1995His)

Genes: FLNC-AS1 (FLNC antisense RNA 1; minus strand), FLNC (filamin C; plus strand). Cytogenetic location: 7q32.1.
Variant type: single nucleotide variant.
Coding change: c.5984G>A on transcript NM_001458.5 (MANE Select); coding-DNA position 5984, G replaced by A.
Protein change: p.Arg1995His; replaces arginine 1995 with histidine.
Molecular consequence: missense variant.
Genome position (GRCh38, 1-based): chr7:128,852,732, G>A. VCF-style: chr7-128852732-G-A. GRCh37 (hg19) VCF-style: chr7-128492786-G-A.
Other names: c.5885G>A, p.Arg1962His (NM_001127487.2); short protein forms R1995H, R1962H.
Identifiers: ClinVar variation 472118 (VCV000472118.11), dbSNP rs371508414, ClinGen allele CA4475846.
Genomic context (GRCh38, chr7:128,852,732, plus strand): 5'-GCCAGCTGACCGCCAGCATCCGTGCCCCCTCGGGCAACGAGGAGCCCTGCCTGCTGAAGC[G>A]CCTGCCCAACCGGCACATTGGTGAGCGTGGGGCCTCACGGGGACCTCAGGGGTGGGGGCC-3'
Protein context (NP_001449.3, residues 1985-2005): SGNEEPCLLK[Arg1995His]LPNRHIGISF

ClinVar aggregate classification (germline): Conflicting classifications of pathogenicity. Review status: criteria provided, conflicting classifications (1 of 4 stars). 3 submissions from 3 submitters: Uncertain significance (2); Likely benign (1). Last evaluated 2024-08-31.

Conditions:
Cardiovascular phenotype. Identifiers: MedGen CN230736.
Distal myopathy with posterior leg and anterior hand involvement. Also called: WILLIAMS DISTAL MYOPATHY. Identifiers: Orphanet 63273, MedGen C3279722, MONDO:0013550, OMIM 614065.
Myofibrillar myopathy 5. Also called: Filaminopathy (type); FILAMINOPATHY, AUTOSOMAL DOMINANT. Identifiers: Orphanet 171445, MedGen C1836050, MONDO:0012289, OMIM 609524.
Hypertrophic cardiomyopathy 26. Also called: Cardiomyopathy, familial hypertrophic, 26. Identifiers: Orphanet 75249, MedGen C4310749, MONDO:0014883, OMIM 617047.

Allele frequency attached by ClinVar (database versions not stated): TOPMed below 0.00001; gnomAD exomes 0.00003; ExAC 0.00006; ESP Exome Variant Server 0.00008.
gnomAD v4.1: 16 of 1,613,126 alleles (0.00099%); highest among the groups gnomAD compares: Middle Eastern, 0.017%; no homozygotes.

Submissions (3):

Labcorp Genetics (formerly Invitae), Labcorp
Classification: Likely benign for Distal myopathy with posterior leg and anterior hand involvement; Myofibrillar myopathy 5; Hypertrophic cardiomyopathy 26. Last evaluated: 2024-08-31. Review status: criteria provided, single submitter. Criteria: Invitae Variant Classification Sherloc (09022015). Collection method: clinical testing. Allele origin: germline.

Ambry Genetics
Classification: Uncertain significance for Cardiovascular phenotype. Last evaluated: 2023-01-05. Review status: criteria provided, single submitter. Criteria: Ambry Variant Classification Scheme 2023. Collection method: clinical testing. Allele origin: germline.
Comment: The p.R1995H variant (also known as c.5984G>A), located in coding exon 36 of the FLNC gene, results from a G to A substitution at nucleotide position 5984. The arginine at codon 1995 is replaced by histidine, an amino acid with highly similar properties. This amino acid position is conserved. In addition, the in silico prediction for this alteration is inconclusive. Since supporting evidence is limited at this time, the clinical significance of this alteration remains unclear.

Fulgent Genetics
Classification: Uncertain significance for Myofibrillar myopathy 5; Distal myopathy with posterior leg and anterior hand involvement; Hypertrophic cardiomyopathy 26. Last evaluated: 2021-10-15. Review status: criteria provided, single submitter. Criteria: ACMG Guidelines, 2015. Collection method: clinical testing. Allele origin: unknown.